The following is an entry in ClinVar:

ClinVar aggregate classification (germline): Uncertain significance (1 of 4 stars; one submission).

gnomAD v4.1: 10 of 1,614,002 alleles (0.00062%); highest among the groups gnomAD compares: Admixed American, 0.0083%; no homozygotes.

Submission:

Labcorp Genetics (formerly Invitae), Labcorp
Classification: Uncertain significance. Last evaluated: 2022-08-05. Review status: criteria provided, single submitter. Criteria: Invitae Variant Classification Sherloc (09022015). Collection method: clinical testing. Allele origin: germline.
Comment: In summary, the available evidence is currently insufficient to determine the role of this variant in disease. Therefore, it has been classified as a Variant of Uncertain Significance. Algorithms developed to predict the effect of missense changes on protein structure and function (SIFT, PolyPhen-2, Align-GVGD) all suggest that this variant is likely to be disruptive. This variant has not been reported in the literature in individuals affected with LAMA1-related conditions. This variant is present in population databases (rs556604476, gnomAD 0.01%). This sequence change replaces arginine, which is basic and polar, with leucine, which is neutral and non-polar, at codon 656 of the LAMA1 protein (p.Arg656Leu).

NM_005559.4(LAMA1):c.1967G>T (p.Arg656Leu)

Gene: LAMA1 (laminin subunit alpha 1; minus strand). Cytogenetic location: 18p11.31.
Variant type: single nucleotide variant.
Coding change: c.1967G>T on transcript NM_005559.4 (MANE Select); coding-DNA position 1967, G replaced by T.
Protein change: p.Arg656Leu; replaces arginine 656 with leucine.
Molecular consequence: missense variant.
Genome position (GRCh38, 1-based): chr18:7,034,563, C>A on the plus strand (G>T on the coding strand, the complement: LAMA1 is on the minus strand). VCF-style: chr18-7034563-C-A. GRCh37 (hg19) VCF-style: chr18-7034562-C-A.
Other names: short protein forms R656L.
Identifiers: ClinVar variation 2167014 (VCV002167014.2), dbSNP rs556604476, ClinGen allele CA8882816.